The following is an entry in ClinVar:

NM_002234.4(KCNA5):c.244C>A (p.Pro82Thr)

Gene: KCNA5 (potassium voltage-gated channel subfamily A member 5; plus strand). Cytogenetic location: 12p13.32.
Variant type: single nucleotide variant.
Coding change: c.244C>A on transcript NM_002234.4 (MANE Select); coding-DNA position 244, C replaced by A.
Protein change: p.Pro82Thr; replaces proline 82 with threonine.
Molecular consequence: missense variant.
Genome position (GRCh38, 1-based): chr12:5,044,391, C>A. VCF-style: chr12-5044391-C-A. GRCh37 (hg19) VCF-style: chr12-5153557-C-A.
Other names: short protein forms P82T.
Identifiers: ClinVar variation 2075351 (VCV002075351.4), dbSNP rs373960118, ClinGen allele CA6399575.

ClinVar aggregate classification (germline): Uncertain significance (1 of 4 stars; one submission).

Conditions:
Atrial fibrillation, familial, 7 (ATFB7). Identifiers: MedGen C2677106, MONDO:0012828, OMIM 612240.

Submission:

Labcorp Genetics (formerly Invitae), Labcorp
Classification: Uncertain significance for Atrial fibrillation, familial, 7. Last evaluated: 2022-10-13. Review status: criteria provided, single submitter. Criteria: Invitae Variant Classification Sherloc (09022015). Collection method: clinical testing. Allele origin: germline.
Comment: Algorithms developed to predict the effect of missense changes on protein structure and function (SIFT, PolyPhen-2, Align-GVGD) all suggest that this variant is likely to be tolerated. This variant has not been reported in the literature in individuals affected with KCNA5-related conditions. This variant is present in population databases (rs373960118, gnomAD 0.01%). This sequence change replaces proline, which is neutral and non-polar, with threonine, which is neutral and polar, at codon 82 of the KCNA5 protein (p.Pro82Thr). In summary, the available evidence is currently insufficient to determine the role of this variant in disease. Therefore, it has been classified as a Variant of Uncertain Significance.